The following is an entry in ClinVar:

ClinVar aggregate classification (germline): Uncertain significance. Review status: criteria provided, multiple submitters, no conflicts (2 of 4 stars). 2 submissions from 2 submitters: Uncertain significance (2). Last evaluated 2020-06-02.

Conditions:
Saldino-Mainzer syndrome (SRTD9). Also called: Renal dysplasia, retinal pigmentary dystrophy, cerebellar ataxia and skeletal dysplasia; SHORT-RIB THORACIC DYSPLASIA 9 WITHOUT POLYDACTYLY; CONORENAL SYNDROME; short-rib thoracic dysplasia 9 with or without polydactyly. Identifiers: Orphanet 140969, MedGen C1849437, MONDO:0009964, OMIM 266920.

Allele frequency attached by ClinVar (database versions not stated): gnomAD exomes below 0.00001.
gnomAD v4.1: 3 of 1,614,170 alleles (0.00019%); highest among the groups gnomAD compares: Middle Eastern, 0.016%; no homozygotes.

Submissions (2):

Labcorp Genetics (formerly Invitae), Labcorp
Classification: Uncertain significance for Saldino-Mainzer syndrome. Last evaluated: 2020-06-02. Review status: criteria provided, single submitter. Criteria: Invitae Variant Classification Sherloc (09022015). Collection method: clinical testing. Allele origin: germline.
Comment: In summary, the available evidence is currently insufficient to determine the role of this variant in disease. Therefore, it has been classified as a Variant of Uncertain Significance. Algorithms developed to predict the effect of missense changes on protein structure and function are either unavailable or do not agree on the potential impact of this missense change (SIFT: "Tolerated"; PolyPhen-2: "Probably Damaging"; Align-GVGD: "Class C0"). This variant has not been reported in the literature in individuals with IFT140-related conditions. ClinVar contains an entry for this variant (Variation ID: 318206). This variant is not present in population databases (ExAC no frequency). This sequence change replaces leucine with phenylalanine at codon 252 of the IFT140 protein (p.Leu252Phe). The leucine residue is moderately conserved and there is a small physicochemical difference between leucine and phenylalanine.

Illumina Laboratory Services, Illumina
Classification: Uncertain significance for Saldino-Mainzer syndrome. Last evaluated: 2018-01-13. Review status: criteria provided, single submitter. Criteria: ICSL Variant Classification Criteria 13 December 2019. Collection method: clinical testing. Allele origin: germline.

NM_014714.4(IFT140):c.754C>T (p.Leu252Phe)

Genes: IFT140 (intraflagellar transport 140; minus strand), LOC105371046 (uncharacterized LOC105371046; plus strand). Cytogenetic location: 16p13.3.
Variant type: single nucleotide variant.
Coding change: c.754C>T on transcript NM_014714.4 (MANE Select); coding-DNA position 754, C replaced by T.
Protein change: p.Leu252Phe; replaces leucine 252 with phenylalanine.
Molecular consequence: missense variant.
Genome position (GRCh38, 1-based): chr16:1,589,661, G>A on the plus strand (C>T on the coding strand, the complement: IFT140 is on the minus strand). VCF-style: chr16-1589661-G-A. GRCh37 (hg19) VCF-style: chr16-1639662-G-A.
Other names: short protein forms L252F.
Identifiers: ClinVar variation 318206 (VCV000318206.11), dbSNP rs886051768, ClinGen allele CA10643109.